The following is an entry in ClinVar:

ClinVar aggregate classification (germline): Uncertain significance (3 of 4 stars; one submission).

Conditions:
Open-angle glaucoma. Identifiers: MedGen C0017612, MONDO:0005338, HP:0012108.

Allele frequency attached by ClinVar (database versions not stated): ESP Exome Variant Server 0.00008; gnomAD exomes below 0.00001; TOPMed 0.00003.
gnomAD v4.1: 10 of 1,608,788 alleles (0.00062%); highest among the groups gnomAD compares: African/African-American, 0.0067%; no homozygotes.

Submission:

ClinGen Glaucoma Variant Curation Expert Panel
Classification: Uncertain significance for Open-angle glaucoma. Last evaluated: 2026-01-20. Review status: reviewed by expert panel. Criteria: ClinGen Glaucoma ACMG Specifications V2.0.0 Approved. Collection method: curation. Allele origin: germline. Inheritance: Autosomal dominant inheritance.
Comment: The c.879G>A variant in MYOC is a synonymous variant (p.Thr293=). The highest minor allele frequency of this variant was in the African/African American genetic ancestry group of gnomAD (v4.1.0) = 0.00006691 (5 alleles out of 74,726), which met the ≤ 0.0001 threshold set for PM2_Supporting in a genetic ancestry group of at least 10,000 alleles. The SpliceAI score = 0.01, which met the ≤ 0.1 threshold for BP4, suggesting that the variant does not impact MYOC function. This synonymous variant meets BP4, so BP7 is met. There was no functional evidence predicting a damaging or benign impact of this variant on MYOC function. Only 1 proband with primary open angle glaucoma had been reported (PMID: 22933836), not meeting the ≥ 2 probands threshold required to meet PS4_Supporting. In summary, this variant met the criteria to receive a score of -1 and to be classified as a variant of uncertain significance (uncertain significance classification range -1 to 5, adapted from PMID: 32720330) for primary open angle glaucoma based on the ACMG/AMP criteria met, as specified by the ClinGen Glaucoma VCEP (v2.0.0, 5 Dec 2024): PM2_Supporting, BP4, BP7

NM_000261.2(MYOC):c.879G>A (p.Thr293=)

Gene: MYOC (myocilin; minus strand). Cytogenetic location: 1q24.3.
Variant type: single nucleotide variant.
Coding change: c.879G>A on transcript NM_000261.2 (MANE Select); coding-DNA position 879, G replaced by A.
Protein change: p.Thr293=; no amino-acid change (threonine 293 retained).
Molecular consequence: synonymous variant.
Genome position (GRCh38, 1-based): chr1:171,636,561, C>T on the plus strand (G>A on the coding strand, the complement: MYOC is on the minus strand). VCF-style: chr1-171636561-C-T. GRCh37 (hg19) VCF-style: chr1-171605701-C-T.
Other names: NM_000261.2:c.879G>A.
Identifiers: ClinVar variation 2505292 (VCV002505292.2), dbSNP rs369169139, ClinGen allele CA32686049.